The following is an entry in ClinVar:

ClinVar aggregate classification (germline): Uncertain significance (1 of 4 stars; one submission).

Submission:

GeneDx
Classification: Uncertain significance. Last evaluated: 2026-02-17. Review status: criteria provided, single submitter. Criteria: GeneDx Variant Classification Process June 2021. Collection method: clinical testing. Allele origin: germline.
Comment: Not observed at significant frequency in large population cohorts (gnomAD); In-frame duplication of 5 amino acid(s) in a non-repeat region; In silico analysis suggests that this variant does not alter protein structure/function; Has not been previously published as pathogenic or benign to our knowledge

NM_001353345.2(SETD1B):c.2830_2844dup (p.Gly948_Leu949insTyrGluGlyLeuGly)

Gene: SETD1B (SET domain containing 1B, histone lysine methyltransferase; plus strand). Cytogenetic location: 12q24.31.
Variant type: Duplication.
Coding change: c.2830_2844dup on transcript NM_001353345.2 (MANE Select); coding-DNA positions 2830 to 2844, 15 bases duplicated (TACGAGGGCCTGGGC).
Protein change: p.Gly948_Leu949insTyrGluGlyLeuGly.
Molecular consequence: inframe insertion.
Genome position (GRCh38, 1-based): chr12:121,817,147-121,817,161, TACGAGGGCCTGGGC duplicated; duplicating any 15 consecutive bases within chr12:121,817,134-121,817,161 gives the same sequence; the c. name uses the placement nearest the transcript's 3' end. VCF-style (leftmost placement, unchanged base first): chr12-121817133-G-GCGAGGGCCTGGGCTA. GRCh37 (hg19) VCF-style: chr12-122255039-G-GCGAGGGCCTGGGCTA.
Identifiers: ClinVar variation 4976606 (VCV004976606.1).